The following is an entry in ClinVar:

ClinVar aggregate classification (germline): Uncertain significance. Review status: criteria provided, multiple submitters, no conflicts (2 of 4 stars). 2 submissions from 2 submitters: Uncertain significance (2). Last evaluated 2025-09-20.

Conditions:
Nail-patella syndrome (NPS). Also called: ONYCHOOSTEODYSPLASIA; TURNER-KIESER SYNDROME; FONG DISEASE. Identifiers: Orphanet 2614, MedGen C0027341, MONDO:0008061, OMIM 161200.
Nail-patella-like renal disease. Also called: GLOMERULAR BASEMENT MEMBRANE DISEASE, NAIL-PATELLA SYNDROME TYPE; Focal Segmental Glomerulosclerosis 10. Identifiers: Orphanet 2613, MedGen C0403548, MONDO:0009724, OMIM 256020.

Allele frequency attached by ClinVar (database versions not stated): gnomAD 0.00003 and 0.00004; gnomAD exomes 0.00003 and 0.00004; ExAC 0.00004; TOPMed 0.00004.
gnomAD v4.1: 63 of 1,612,304 alleles (0.0039%); highest among the groups gnomAD compares: Non-Finnish European, 0.0047%; no homozygotes.

Submissions (2):

Labcorp Genetics (formerly Invitae), Labcorp
Classification: Uncertain significance. Last evaluated: 2025-09-20. Review status: criteria provided, single submitter. Criteria: Invitae Variant Classification Sherloc (09022015). Collection method: clinical testing. Allele origin: germline.
Comment: This sequence change replaces glycine, which is neutral and non-polar, with serine, which is neutral and polar, at codon 117 of the LMX1B protein (p.Gly117Ser). This variant is present in population databases (rs773332016, gnomAD 0.006%). This variant has not been reported in the literature in individuals affected with LMX1B-related conditions. ClinVar contains an entry for this variant (Variation ID: 1525451). Invitae Evidence Modeling of protein sequence and biophysical properties (such as structural, functional, and spatial information, amino acid conservation, physicochemical variation, residue mobility, and thermodynamic stability) indicates that this missense variant is not expected to disrupt LMX1B protein function with a negative predictive value of 80%. In summary, the available evidence is currently insufficient to determine the role of this variant in disease. Therefore, it has been classified as a Variant of Uncertain Significance.

Fulgent Genetics
Classification: Uncertain significance for Nail-patella syndrome; Nail-patella-like renal disease. Last evaluated: 2024-04-26. Review status: criteria provided, single submitter. Criteria: ACMG Guidelines, 2015. Collection method: clinical testing. Allele origin: germline.

NM_001174147.2(LMX1B):c.349G>A (p.Gly117Ser)

Gene: LMX1B (LIM homeobox transcription factor 1 beta; plus strand). Cytogenetic location: 9q33.3.
Variant type: single nucleotide variant.
Coding change: c.349G>A on transcript NM_001174147.2 (MANE Select); coding-DNA position 349, G replaced by A.
Protein change: p.Gly117Ser; replaces glycine 117 with serine.
Molecular consequence: missense variant.
Genome position (GRCh38, 1-based): chr9:126,690,858, G>A. VCF-style: chr9-126690858-G-A. GRCh37 (hg19) VCF-style: chr9-129453137-G-A.
Other names: c.349G>A, p.Gly117Ser (NM_001174146.2, NM_002316.4); short protein forms G117S.
Identifiers: ClinVar variation 1525451 (VCV001525451.8), dbSNP rs773332016, ClinGen allele CA5242297.